The following is an entry in ClinVar:

ClinVar aggregate classification (germline): Uncertain significance (1 of 4 stars; one submission).

gnomAD v4.1: 7 of 1,591,860 alleles (0.00044%); highest among the groups gnomAD compares: Non-Finnish European, 0.00059%; no homozygotes.

Submission:

GeneDx
Classification: Uncertain significance. Last evaluated: 2024-10-23. Review status: criteria provided, single submitter. Criteria: GeneDx Variant Classification Process June 2021. Collection method: clinical testing. Allele origin: germline. Affected: yes.
Comment: Not observed at significant frequency in large population cohorts (gnomAD); In silico analysis supports that this missense variant has a deleterious effect on protein structure/function; Has not been previously published as pathogenic or benign to our knowledge

NM_201384.3(PLEC):c.11525A>T (p.Glu3842Val)

Gene: PLEC (plectin; minus strand). Cytogenetic location: 8q24.3.
Variant type: single nucleotide variant.
Coding change: c.11525A>T on transcript NM_201384.3 (MANE Select); coding-DNA position 11525, A replaced by T.
Protein change: p.Glu3842Val; replaces glutamic acid 3842 with valine.
Molecular consequence: missense variant.
Genome position (GRCh38, 1-based): chr8:143,918,296, T>A on the plus strand (A>T on the coding strand, the complement: PLEC is on the minus strand). VCF-style: chr8-143918296-T-A. GRCh37 (hg19) VCF-style: chr8-144992464-T-A.
Other names: c.11606A>T, p.Glu3869Val (NM_000445.5); c.8225A>T, p.Glu2742Val (NM_001410941.1); c.11483A>T, p.Glu3828Val (NM_201378.4); c.11459A>T, p.Glu3820Val (NM_201379.3); c.11936A>T, p.Glu3979Val (NM_201380.4); c.11429A>T, p.Glu3810Val (NM_201381.3); c.11525A>T, p.Glu3842Val (NM_201382.4); c.11537A>T, p.Glu3846Val (NM_201383.3); short protein forms E2742V, E3810V, E3820V, E3828V, E3842V, E3846V, E3869V, E3979V.
Identifiers: ClinVar variation 3893560 (VCV003893560.1).